The following is an entry in ClinVar:

NM_022552.5(DNMT3A):c.402T>C (p.Asn134=)

Gene: DNMT3A (DNA methyltransferase 3 alpha; minus strand). Cytogenetic location: 2p23.3.
Variant type: single nucleotide variant.
Coding change: c.402T>C on transcript NM_022552.5 (MANE Select); coding-DNA position 402, T replaced by C.
Protein change: p.Asn134=; no amino-acid change (asparagine 134 retained).
Molecular consequence: synonymous variant. On other transcripts: non-coding transcript variant (1).
Genome position (GRCh38, 1-based): chr2:25,282,487, A>G on the plus strand (T>C on the coding strand, the complement: DNMT3A is on the minus strand). VCF-style: chr2-25282487-A-G. GRCh37 (hg19) VCF-style: chr2-25505356-A-G.
Other names: c.402T>C, p.Asn134= (NM_001320892.2, NM_175629.2, NM_175630.1).
Identifiers: ClinVar variation 3353755 (VCV003353755.1).

ClinVar aggregate classification (germline): Likely benign (0 of 4 stars; one submission).

Conditions:
DNMT3A-related disorder. Also called: DNMT3A-related disorders; DNMT3A-related condition.

gnomAD v4.1: 1 of 1,613,222 alleles (0.000062%); highest among the groups gnomAD compares: Non-Finnish European, 0.000085%; no homozygotes.

Submission:

PreventionGenetics, part of Exact Sciences
Classification: Likely benign for DNMT3A-related condition. Last evaluated: 2022-09-08. Review status: no assertion criteria provided. Collection method: clinical testing. Allele origin: germline.
Comment: This variant is classified as likely benign based on ACMG/AMP sequence variant interpretation guidelines (Richards et al. 2015 PMID: 25741868, with internal and published modifications).